The following is an entry in ClinVar:

ClinVar aggregate classification (germline): Uncertain significance (1 of 4 stars; one submission).

Conditions:
X-linked myopathy with postural muscle atrophy. Also called: FHL1-Related Emery-Dreifuss Muscular Dystrophy, X-Linked. Identifiers: Orphanet 178461, MedGen C2678055, MONDO:0010401, OMIM 300696.

Submission:

Labcorp Genetics (formerly Invitae), Labcorp
Classification: Uncertain significance for X-linked myopathy with postural muscle atrophy. Last evaluated: 2022-10-03. Review status: criteria provided, single submitter. Criteria: Invitae Variant Classification Sherloc (09022015). Collection method: clinical testing. Allele origin: germline.
Comment: This sequence change replaces lysine, which is basic and polar, with asparagine, which is neutral and polar, at codon 34 of the FHL1 protein (p.Lys34Asn). This variant is not present in population databases (gnomAD no frequency). This variant has not been reported in the literature in individuals affected with FHL1-related conditions. Algorithms developed to predict the effect of missense changes on protein structure and function are either unavailable or do not agree on the potential impact of this missense change (SIFT: "Deleterious"; PolyPhen-2: "Benign"; Align-GVGD: "Class C65"). In summary, the available evidence is currently insufficient to determine the role of this variant in disease. Therefore, it has been classified as a Variant of Uncertain Significance.

NM_001159699.2(FHL1):c.150G>T (p.Lys50Asn)

Gene: FHL1 (four and a half LIM domains 1; plus strand). Cytogenetic location: Xq26.3.
Variant type: single nucleotide variant.
Coding change: c.150G>T on transcript NM_001159699.2 (MANE Select); coding-DNA position 150, G replaced by T.
Protein change: p.Lys50Asn; replaces lysine 50 with asparagine.
Molecular consequence: missense variant. On other transcripts: non-coding transcript variant (1).
Genome position (GRCh38, 1-based): chrX:136,206,534, G>T. VCF-style: chrX-136206534-G-T. GRCh37 (hg19) VCF-style: chrX-135288693-G-T.
Other names: c.102G>T, p.Lys34Asn (NM_001159700.2, NM_001159702.3, NM_001159703.2 and 9 more transcripts); c.189G>T, p.Lys63Asn (NM_001159701.2); c.150G>T, p.Lys50Asn (NM_001330659.2); short protein forms K34N, K50N, K63N.
Identifiers: ClinVar variation 1941154 (VCV001941154.2), dbSNP rs1265392418, ClinGen allele CA414607741.